The following is an entry in ClinVar:

ClinVar aggregate classification (germline): Uncertain significance. Review status: criteria provided, multiple submitters, no conflicts (2 of 4 stars). 2 submissions from 2 submitters: Uncertain significance (2). Last evaluated 2025-03-17.

Allele frequency attached by ClinVar (database versions not stated): gnomAD 0.00004; TOPMed 0.00004; ExAC 0.00006.
gnomAD v4.1: 84 of 1,605,812 alleles (0.0052%); highest among the groups gnomAD compares: Non-Finnish European, 0.0068%; no homozygotes.

Submissions (2):

Labcorp Genetics (formerly Invitae), Labcorp
Classification: Uncertain significance. Last evaluated: 2025-03-17. Review status: criteria provided, single submitter. Criteria: Invitae Variant Classification Sherloc (09022015). Collection method: clinical testing. Allele origin: germline.
Comment: This sequence change falls in intron 8 of the HK1 gene. It does not directly change the encoded amino acid sequence of the HK1 protein. It affects a nucleotide within the consensus splice site. This variant is present in population databases (rs113927909, gnomAD 0.01%). This variant has not been reported in the literature in individuals affected with HK1-related conditions. ClinVar contains an entry for this variant (Variation ID: 2885630). Variants that disrupt the consensus splice site are a relatively common cause of aberrant splicing (PMID: 17576681, 9536098). Algorithms developed to predict the effect of sequence changes on RNA splicing suggest that this variant is not likely to affect RNA splicing. In summary, the available evidence is currently insufficient to determine the role of this variant in disease. Therefore, it has been classified as a Variant of Uncertain Significance.

Blueprint Genetics
Classification: Uncertain significance. Last evaluated: 2022-10-14. Review status: criteria provided, single submitter. Criteria: ACMG Guidelines, 2015. Collection method: clinical testing. Allele origin: germline.

Literature cited by the submitters: PubMed 17576681 (cited by Labcorp Genetics (formerly Invitae), Labcorp); PubMed 9536098 (cited by Labcorp Genetics (formerly Invitae), Labcorp).

NM_000188.3(HK1):c.1032-3C>T

Gene: HK1 (hexokinase 1; plus strand). Cytogenetic location: 10q22.1.
Variant type: single nucleotide variant.
Coding change: c.1032-3C>T on transcript NM_000188.3 (MANE Select); 3 bases into the intron before coding-DNA position 1032, C replaced by T.
Molecular consequence: intron variant.
Genome position (GRCh38, 1-based): chr10:69,379,859, C>T. VCF-style: chr10-69379859-C-T. GRCh37 (hg19) VCF-style: chr10-71139615-C-T.
Other names: c.996-3C>T (NM_033500.2); c.1137-3C>T (NM_001322365.2); c.1044-3C>T (NM_033498.3, NM_033497.3, NM_001322364.2 and 1 more transcripts); c.1029-3C>T (NM_033496.3); c.948-3C>T (NM_001322366.1); c.936-3C>T (NM_001322367.1).
Identifiers: ClinVar variation 2885630 (VCV002885630.4), dbSNP rs113927909, ClinGen allele CA5532499.